The following is an entry in ClinVar:

NC_000002.11:g.(?_109336063)_(109547470_?)del

Genes: CCDC138 (coiled-coil domain containing 138; plus strand), EDAR (ectodysplasin A receptor; minus strand), RANBP2 (RAN binding protein 2; plus strand). Cytogenetic location: 2q12.3.
Variant type: Deletion.
Identifiers: ClinVar variation 1064221 (VCV001064221.1).

ClinVar aggregate classification (germline): Uncertain significance (1 of 4 stars; one submission).

Conditions:
Familial acute necrotizing encephalopathy (IIAE3). Also called: ENCEPHALOPATHY, ACUTE, INFECTION-INDUCED, SUSCEPTIBILITY TO, 3; Susceptibility to Acute Necrotizing Encephalopathy 1. Identifiers: Orphanet 88619, MedGen C2675556, MONDO:0011953, OMIM 608033.

Submission:

Labcorp Genetics (formerly Invitae), Labcorp
Classification: Uncertain significance for Familial acute necrotizing encephalopathy. Last evaluated: 2020-09-24. Review status: criteria provided, single submitter. Criteria: Invitae Variant Classification Sherloc (09022015). Collection method: clinical testing. Allele origin: germline.
Comment: A gross deletion of the genomic region encompassing the full coding sequence of the RANBP2 gene has been identified. The boundaries of this event are unknown as the deletion extends beyond the assayed region for this gene and therefore may encompass additional genes. This variant has not been reported in the literature in individuals with RANBP2-related conditions. The current clinical and genetic evidence is not sufficient to establish whether loss-of-function variants in RANBP2 cause disease. In summary, the available evidence is currently insufficient to determine the role of this variant in disease. Therefore, it has been classified as a Variant of Uncertain Significance.